The following is an entry in ClinVar:

NM_003331.5(TYK2):c.2812C>G (p.Pro938Ala)

Gene: TYK2 (tyrosine kinase 2; minus strand). Cytogenetic location: 19p13.2.
Variant type: single nucleotide variant.
Coding change: c.2812C>G on transcript NM_003331.5 (MANE Select); coding-DNA position 2812, C replaced by G.
Protein change: p.Pro938Ala; replaces proline 938 with alanine.
Molecular consequence: missense variant.
Genome position (GRCh38, 1-based): chr19:10,354,138, G>C on the plus strand (C>G on the coding strand, the complement: TYK2 is on the minus strand). VCF-style: chr19-10354138-G-C. GRCh37 (hg19) VCF-style: chr19-10464814-G-C.
Other names: c.2812C>G (LRG_121t1); short protein forms P938A.
Identifiers: ClinVar variation 577905 (VCV000577905.7), dbSNP rs1489073249, ClinGen allele CA403988406.

ClinVar aggregate classification (germline): Uncertain significance (1 of 4 stars; one submission).

Conditions:
Immunodeficiency 35 (IMD35). Also called: Susceptibility to infection due to TYK2 deficiency; TYK2 DEFICIENCY; HIES WITH ATYPICAL MYCOBACTERIOSIS, AUTOSOMAL RECESSIVE; HYPER-IgE SYNDROME WITH ATYPICAL MYCOBACTERIOSIS, AUTOSOMAL RECESSIVE. Identifiers: Orphanet 331226, MedGen C1969086, MONDO:0012682, OMIM 611521.

Allele frequency attached by ClinVar (database versions not stated): TOPMed below 0.00001.

Submission:

Labcorp Genetics (formerly Invitae), Labcorp
Classification: Uncertain significance for Immunodeficiency 35. Last evaluated: 2024-02-17. Review status: criteria provided, single submitter. Criteria: Invitae Variant Classification Sherloc (09022015). Collection method: clinical testing. Allele origin: germline.
Comment: This sequence change replaces proline, which is neutral and non-polar, with alanine, which is neutral and non-polar, at codon 938 of the TYK2 protein (p.Pro938Ala). This variant is not present in population databases (gnomAD no frequency). This variant has not been reported in the literature in individuals affected with TYK2-related conditions. ClinVar contains an entry for this variant (Variation ID: 577905). Advanced modeling of protein sequence and biophysical properties (such as structural, functional, and spatial information, amino acid conservation, physicochemical variation, residue mobility, and thermodynamic stability) performed at Invitae indicates that this missense variant is not expected to disrupt TYK2 protein function with a negative predictive value of 80%. In summary, the available evidence is currently insufficient to determine the role of this variant in disease. Therefore, it has been classified as a Variant of Uncertain Significance.